The following is an entry in ClinVar:

NM_000405.5(GM2A):c.172A>T (p.Ile58Phe)

Gene: GM2A (ganglioside GM2 activator; plus strand). Cytogenetic location: 5q33.1.
Variant type: single nucleotide variant.
Coding change: c.172A>T on transcript NM_000405.5 (MANE Select); coding-DNA position 172, A replaced by T.
Protein change: p.Ile58Phe; replaces isoleucine 58 with phenylalanine.
Molecular consequence: missense variant.
Genome position (GRCh38, 1-based): chr5:151,259,845, A>T. VCF-style: chr5-151259845-A-T. GRCh37 (hg19) VCF-style: chr5-150639406-A-T.
Other names: c.172A>T, p.Ile58Phe (NM_001167607.3); c.172A>T (NM_000405.4); short protein forms I58F.
Identifiers: ClinVar variation 2089550 (VCV002089550.5), dbSNP rs755382727, ClinGen allele CA361805918.

ClinVar aggregate classification (germline): Uncertain significance. Review status: criteria provided, multiple submitters, no conflicts (2 of 4 stars). 2 submissions from 2 submitters: Uncertain significance (2). Last evaluated 2025-10-21.

Conditions:
Inborn genetic diseases. Identifiers: MedGen C0950123, MeSH D030342.
Tay-Sachs disease, variant AB. Also called: Gm2-gangliosidosis, ab variant; GM2 Activator Deficiency. Identifiers: Orphanet 309246, MedGen C0268275, MONDO:0010099, OMIM 272750.

Submissions (2):

Ambry Genetics
Classification: Uncertain significance for Inborn genetic diseases. Last evaluated: 2025-10-21. Review status: criteria provided, single submitter. Criteria: Ambry Variant Classification Scheme 2023. Collection method: clinical testing. Allele origin: germline.

Labcorp Genetics (formerly Invitae), Labcorp
Classification: Uncertain significance for Tay-Sachs disease, variant AB. Last evaluated: 2022-01-26. Review status: criteria provided, single submitter. Criteria: Invitae Variant Classification Sherloc (09022015). Collection method: clinical testing. Allele origin: germline.
Comment: In summary, the available evidence is currently insufficient to determine the role of this variant in disease. Therefore, it has been classified as a Variant of Uncertain Significance. Algorithms developed to predict the effect of missense changes on protein structure and function are either unavailable or do not agree on the potential impact of this missense change (SIFT: "Deleterious"; PolyPhen-2: "Probably Damaging"; Align-GVGD: "Class C0"). This variant has not been reported in the literature in individuals affected with GM2A-related conditions. This variant is not present in population databases (gnomAD no frequency). This sequence change replaces isoleucine, which is neutral and non-polar, with phenylalanine, which is neutral and non-polar, at codon 58 of the GM2A protein (p.Ile58Phe).